The following is an entry in ClinVar:

NM_000138.5(FBN1):c.2584T>A (p.Cys862Ser)

Gene: FBN1 (fibrillin 1; minus strand). Cytogenetic location: 15q21.1.
Variant type: single nucleotide variant.
Coding change: c.2584T>A on transcript NM_000138.5 (MANE Select); coding-DNA position 2584, T replaced by A.
Protein change: p.Cys862Ser; replaces cysteine 862 with serine.
Molecular consequence: missense variant.
Genome position (GRCh38, 1-based): chr15:48,495,216, A>T on the plus strand (T>A on the coding strand, the complement: FBN1 is on the minus strand). VCF-style: chr15-48495216-A-T. GRCh37 (hg19) VCF-style: chr15-48787413-A-T.
Other names: short protein forms C862S.
Identifiers: ClinVar variation 1355569 (VCV001355569.8), dbSNP rs2043595650, ClinGen allele CA392332715.

ClinVar aggregate classification (germline): Pathogenic (1 of 4 stars; one submission).

Conditions:
Marfan syndrome (MFS). Also called: Marfan syndrome type 1; Marfan's syndrome; FBN1-Related Marfan Syndrome; MARFAN SYNDROME, TYPE I; Marfan syndrome, classic. Identifiers: Orphanet 284963, Orphanet 558, MedGen C0024796, MONDO:0007947, OMIM 154700.
Familial thoracic aortic aneurysm and aortic dissection (TAAD). Also called: Thoracic aortic aneurysms and dissections. Identifiers: Orphanet 91387, MedGen C4707243, MONDO:0019625.

Submission:

Labcorp Genetics (formerly Invitae), Labcorp
Classification: Pathogenic for Marfan syndrome; Familial thoracic aortic aneurysm and aortic dissection. Last evaluated: 2021-03-23. Review status: criteria provided, single submitter. Criteria: Invitae Variant Classification Sherloc (09022015). Collection method: clinical testing. Allele origin: germline.
Comment: For these reasons, this variant has been classified as Pathogenic. This variant affects a cysteine residue in the EGF-like, TGFBP or hybrid motif domains of FBN1. Cysteine residues are believed to be involved in intramolecular disulfide bridges and have been shown to be important for FBN1 protein structure (PMID: 16905551, 19349279). In addition, missense substitutions affecting cysteine residues within these domains are significantly overrepresented among patients with Marfan syndrome (PMID: 16571647, 17701892). Advanced modeling of protein sequence and biophysical properties (such as structural, functional, and spatial information, amino acid conservation, physicochemical variation, residue mobility, and thermodynamic stability) performed at Invitae indicates that this missense variant is expected to disrupt FBN1 protein function. This variant has been observed in individual(s) with clinical features of Marfan syndrome (Invitae). This variant is not present in population databases (ExAC no frequency). This sequence change replaces cysteine with serine at codon 862 of the FBN1 protein (p.Cys862Ser). The cysteine residue is highly conserved and there is a moderate physicochemical difference between cysteine and serine.

Literature cited by the submitters: PubMed 16905551; PubMed 19349279; PubMed 16571647; PubMed 17701892.